The following is an entry in ClinVar:

NM_004385.5(VCAN):c.5990C>T (p.Ser1997Leu)

Genes: VCAN (versican; plus strand), VCAN-AS1 (VCAN antisense RNA 1; minus strand). Cytogenetic location: 5q14.3.
Variant type: single nucleotide variant.
Coding change: c.5990C>T on transcript NM_004385.5 (MANE Select); coding-DNA position 5990, C replaced by T.
Protein change: p.Ser1997Leu; replaces serine 1997 with leucine.
Molecular consequence: missense variant. On other transcripts: intron variant (2).
Genome position (GRCh38, 1-based): chr5:83,538,993, C>T. VCF-style: chr5-83538993-C-T. GRCh37 (hg19) VCF-style: chr5-82834812-C-T.
Other names: c.3029C>T, p.Ser1010Leu (NM_001164097.2); c.4004-6544C>T (NM_001164098.2); c.1043-6544C>T (NM_001126336.3); short protein forms S1010L, S1997L.
Identifiers: ClinVar variation 1930387 (VCV001930387.5), dbSNP rs2479111203, ClinGen allele CA360311595.
Genomic context (GRCh38, chr5:83,538,993, plus strand): 5'-CAGTTCACATCAGTCACATATCTGACTCAGAAGGACCCAGTAGCACCATGGTCAGCACTT[C>T]AGCCTTCCCCTGGGAAGAGTTTACATCCTCAGCTGAGGGCTCAGGTGAGCAACTGGTCAC-3'
Protein context (NP_004376.2, residues 1987-2007): EGPSSTMVST[Ser1997Leu]AFPWEEFTSS

ClinVar aggregate classification (germline): Uncertain significance (1 of 4 stars; one submission).

Submission:

Labcorp Genetics (formerly Invitae), Labcorp
Classification: Uncertain significance. Last evaluated: 2024-10-22. Review status: criteria provided, single submitter. Criteria: Invitae Variant Classification Sherloc (09022015). Collection method: clinical testing. Allele origin: germline.
Comment: This sequence change replaces serine, which is neutral and polar, with leucine, which is neutral and non-polar, at codon 1997 of the VCAN protein (p.Ser1997Leu). This variant is not present in population databases (gnomAD no frequency). This variant has not been reported in the literature in individuals affected with VCAN-related conditions. ClinVar contains an entry for this variant (Variation ID: 1930387). An algorithm developed to predict the effect of missense changes on protein structure and function (PolyPhen-2) suggests that this variant is likely to be disruptive. In summary, the available evidence is currently insufficient to determine the role of this variant in disease. Therefore, it has been classified as a Variant of Uncertain Significance.